The following is an entry in ClinVar:

NM_001283009.2(RTEL1):c.1871G>A (p.Arg624Gln)

Genes: RTEL1 (regulator of telomere elongation helicase 1; plus strand), RTEL1-TNFRSF6B (RTEL1-TNFRSF6B readthrough (NMD candidate); plus strand). Cytogenetic location: 20q13.33.
Variant type: single nucleotide variant.
Coding change: c.1871G>A on transcript NM_001283009.2 (MANE Select); coding-DNA position 1871, G replaced by A.
Protein change: p.Arg624Gln; replaces arginine 624 with glutamine.
Molecular consequence: missense variant. On other transcripts: non-coding transcript variant (1).
Genome position (GRCh38, 1-based): chr20:63,689,125, G>A. VCF-style: chr20-63689125-G-A. GRCh37 (hg19) VCF-style: chr20-62320478-G-A.
Other names: c.1202G>A, p.Arg401Gln (NM_001283010.1); c.1871G>A, p.Arg624Gln (NM_016434.4); c.1943G>A, p.Arg648Gln (NM_032957.5); short protein forms R401Q, R624Q, R648Q.
Identifiers: ClinVar variation 969917 (VCV000969917.8), dbSNP rs753779060, ClinGen allele CA9965050.

ClinVar aggregate classification (germline): Uncertain significance. Review status: criteria provided, multiple submitters, no conflicts (2 of 4 stars). 3 submissions from 3 submitters: Uncertain significance (2). 1 of the submissions does not count toward it. Last evaluated 2025-12-26.

Conditions:
Dyskeratosis congenita, autosomal recessive 5 (DKCB5). Identifiers: MedGen C3554656, MONDO:0014076, OMIM 615190.
Pulmonary fibrosis and/or bone marrow failure, Telomere-related, 3. Also called: PULMONARY FIBROSIS AND/OR BONE MARROW FAILURE SYNDROME, TELOMERE-RELATED, 3. Identifiers: Orphanet 2032, MedGen C4225346, MONDO:0014613, OMIM 616373.
Dyskeratosis congenita. Identifiers: Orphanet 1775, MedGen C0265965, MONDO:0015780.

Allele frequency attached by ClinVar (database versions not stated): gnomAD 0.00003; TOPMed 0.00003.
gnomAD v4.1: 41 of 1,608,890 alleles (0.0025%); highest among the groups gnomAD compares: Admixed American, 0.015%; no homozygotes.

Submissions (3):

Labcorp Genetics (formerly Invitae), Labcorp
Classification: Uncertain significance for Dyskeratosis congenita, autosomal recessive 5; Pulmonary fibrosis and/or bone marrow failure, Telomere-related, 3. Last evaluated: 2025-12-26. Review status: criteria provided, single submitter. Criteria: Invitae Variant Classification Sherloc (09022015). Collection method: clinical testing. Allele origin: germline.
Comment: This sequence change replaces arginine, which is basic and polar, with glutamine, which is neutral and polar, at codon 624 of the RTEL1 protein (p.Arg624Gln). This variant is present in population databases (rs753779060, gnomAD 0.02%). This variant has not been reported in the literature in individuals affected with RTEL1-related conditions. ClinVar contains an entry for this variant (Variation ID: 969917). An algorithm developed to predict the effect of missense changes on protein structure and function (PolyPhen-2) suggests that this variant is likely to be disruptive. In summary, the available evidence is currently insufficient to determine the role of this variant in disease. Therefore, it has been classified as a Variant of Uncertain Significance.

Blueprint Genetics
Classification: Uncertain significance. Last evaluated: 2022-06-22. Review status: criteria provided, single submitter. Criteria: ACMG Guidelines, 2015. Collection method: clinical testing. Allele origin: germline.

Natera, Inc.
Classification: Uncertain significance for Dyskeratosis congenita. Last evaluated: 2021-01-27. Review status: no assertion criteria provided. Collection method: clinical testing. Allele origin: germline. Not counted in ClinVar's aggregate classification.